The following is an entry in ClinVar:

ClinVar aggregate classification (germline): Likely pathogenic (1 of 4 stars; one submission).

Submission:

Labcorp Genetics (formerly Invitae), Labcorp
Classification: Likely pathogenic. Last evaluated: 2023-03-03. Review status: criteria provided, single submitter. Criteria: Invitae Variant Classification Sherloc (09022015). Collection method: clinical testing. Allele origin: germline.
Comment: This sequence change affects a donor splice site in intron 7 of the OTOA gene. It is expected to disrupt RNA splicing. Variants that disrupt the donor or acceptor splice site typically lead to a loss of protein function (PMID: 16199547), and loss-of-function variants in OTOA are known to be pathogenic (PMID: 11972037). This variant is not present in population databases (gnomAD no frequency). This variant has not been reported in the literature in individuals affected with OTOA-related conditions. Algorithms developed to predict the effect of sequence changes on RNA splicing suggest that this variant may disrupt the consensus splice site. In summary, the currently available evidence indicates that the variant is pathogenic, but additional data are needed to prove that conclusively. Therefore, this variant has been classified as Likely Pathogenic.

Literature cited by the submitters: PubMed 16199547; PubMed 11972037.

NM_144672.4(OTOA):c.635+1G>A

Gene: OTOA (otoancorin). Cytogenetic location: 16p12.2.
Variant type: single nucleotide variant.
Coding change: c.635+1G>A on transcript NM_144672.4 (MANE Select); the canonical splice donor site of the intron after coding-DNA position 635, G replaced by A.
Molecular consequence: splice donor variant.
Genome position (GRCh38, 1-based): chr16:21,687,649, G>A. VCF-style: chr16-21687649-G-A. GRCh37 (hg19) VCF-style: chr16-21698970-G-A.
Other names: c.398+1G>A (NM_001161683.2).
Identifiers: ClinVar variation 2821585 (VCV002821585.3), dbSNP rs2506971572, ClinGen allele CA395056095.